The following is an entry in ClinVar:

ClinVar aggregate classification (germline): Uncertain significance (1 of 4 stars; one submission).

Submission:

GeneDx
Classification: Uncertain significance. Last evaluated: 2025-03-06. Review status: criteria provided, single submitter. Criteria: GeneDx Variant Classification Process June 2021. Collection method: clinical testing. Allele origin: germline. Affected: yes.
Comment: Not observed at significant frequency in large population cohorts (gnomAD); In silico analysis supports that this missense variant has a deleterious effect on protein structure/function; Has not been previously published as pathogenic or benign to our knowledge

NM_001379110.1(SLC9A6):c.1337C>T (p.Ala446Val)

Gene: SLC9A6 (solute carrier family 9 member A6; plus strand). Cytogenetic location: Xq26.3.
Variant type: single nucleotide variant.
Coding change: c.1337C>T on transcript NM_001379110.1 (MANE Select); coding-DNA position 1337, C replaced by T.
Protein change: p.Ala446Val; replaces alanine 446 with valine.
Molecular consequence: missense variant.
Genome position (GRCh38, 1-based): chrX:136,024,360, C>T. VCF-style: chrX-136024360-C-T. GRCh37 (hg19) VCF-style: chrX-135106519-C-T.
Other names: c.1493C>T, p.Ala498Val (NM_001042537.2, NM_001438742.1); c.1337C>T, p.Ala446Val (NM_001177651.2, NM_001400909.1, NM_001400910.1 and 2 more transcripts); c.1241C>T, p.Ala414Val (NM_001330652.2, NM_001400913.1); c.1397C>T, p.Ala466Val (NM_006359.3); short protein forms A414V, A446V, A466V, A498V.
Identifiers: ClinVar variation 4082964 (VCV004082964.1).
Genomic context (GRCh38, chrX:136,024,360, plus strand): 5'-TGAAGAAATACCTTTTCTGTTCCCCTGTAGGCCTTCGTGGTGCAATGGCATTTGCCTTGG[C>T]CATTCGAGATACTGCCACTTATGCACGGCAAATGATGTTCAGCACCACGCTTCTGATTGT-3'
Protein context (NP_001366039.1, residues 436-456): GLRGAMAFAL[Ala446Val]IRDTATYARQ